The following is an entry in ClinVar:

NM_000969.5(RPL5):c.391A>G (p.Asn131Asp)

Genes: DIPK1A (divergent protein kinase domain 1A; minus strand), RPL5 (ribosomal protein L5; plus strand). Cytogenetic location: 1p22.1.
Variant type: single nucleotide variant.
Coding change: c.391A>G on transcript NM_000969.5 (MANE Select); coding-DNA position 391, A replaced by G.
Protein change: p.Asn131Asp; replaces asparagine 131 with aspartic acid.
Molecular consequence: missense variant. On other transcripts: non-coding transcript variant (1), intron variant (1).
Genome position (GRCh38, 1-based): chr1:92,836,256, A>G. VCF-style: chr1-92836256-A-G. GRCh37 (hg19) VCF-style: chr1-93301813-A-G.
Other names: c.475-3222T>C (NM_001252273.2); short protein forms N131D.
Identifiers: ClinVar variation 2822512 (VCV002822512.3), dbSNP rs2524457686, ClinGen allele CA341242061.

ClinVar aggregate classification (germline): Uncertain significance (1 of 4 stars; one submission).

Conditions:
Diamond-Blackfan anemia. Also called: Blackfan Diamond syndrome; Aregenerative anemia chronic congenital; Red cell aplasia, pure hereditary; Congenital hypoplastic anemia; Aase syndrome. Identifiers: Orphanet 124, MedGen C1260899, MeSH D029503, MONDO:0015253, HP:0004810.

Submission:

Labcorp Genetics (formerly Invitae), Labcorp
Classification: Uncertain significance for Diamond-Blackfan anemia. Last evaluated: 2023-12-13. Review status: criteria provided, single submitter. Criteria: Invitae Variant Classification Sherloc (09022015). Collection method: clinical testing. Allele origin: germline.
Comment: This sequence change replaces asparagine, which is neutral and polar, with aspartic acid, which is acidic and polar, at codon 131 of the RPL5 protein (p.Asn131Asp). This variant is not present in population databases (gnomAD no frequency). This variant has not been reported in the literature in individuals affected with RPL5-related conditions. Advanced modeling of protein sequence and biophysical properties (such as structural, functional, and spatial information, amino acid conservation, physicochemical variation, residue mobility, and thermodynamic stability) performed at Invitae indicates that this missense variant is not expected to disrupt RPL5 protein function with a negative predictive value of 80%. In summary, the available evidence is currently insufficient to determine the role of this variant in disease. Therefore, it has been classified as a Variant of Uncertain Significance.